The following is an entry in ClinVar:

ClinVar aggregate classification (germline): Uncertain significance (1 of 4 stars; one submission).

Submission:

Labcorp Genetics (formerly Invitae), Labcorp
Classification: Uncertain significance. Last evaluated: 2022-05-05. Review status: criteria provided, single submitter. Criteria: Invitae Variant Classification Sherloc (09022015). Collection method: clinical testing. Allele origin: germline.
Comment: In summary, the available evidence is currently insufficient to determine the role of this variant in disease. Therefore, it has been classified as a Variant of Uncertain Significance. Algorithms developed to predict the effect of missense changes on protein structure and function are either unavailable or do not agree on the potential impact of this missense change (SIFT: "Deleterious"; PolyPhen-2: "Possibly Damaging"; Align-GVGD: "Class C0"). This variant has not been reported in the literature in individuals affected with FBXO11-related conditions. This variant is not present in population databases (gnomAD no frequency). This sequence change replaces aspartic acid, which is acidic and polar, with histidine, which is basic and polar, at codon 351 of the FBXO11 protein (p.Asp351His).

NM_001190274.2(FBXO11):c.1051G>C (p.Asp351His)

Gene: FBXO11 (F-box protein 11; minus strand). Cytogenetic location: 2p16.3.
Variant type: single nucleotide variant.
Coding change: c.1051G>C on transcript NM_001190274.2 (MANE Select); coding-DNA position 1051, G replaced by C.
Protein change: p.Asp351His; replaces aspartic acid 351 with histidine.
Molecular consequence: missense variant.
Genome position (GRCh38, 1-based): chr2:47,832,871, C>G on the plus strand (G>C on the coding strand, the complement: FBXO11 is on the minus strand). VCF-style: chr2-47832871-C-G. GRCh37 (hg19) VCF-style: chr2-48060010-C-G.
Other names: c.799G>C, p.Asp267His (NM_001374325.1, NM_025133.4); short protein forms D267H, D351H.
Identifiers: ClinVar variation 2134087 (VCV002134087.4), dbSNP rs2531193980, ClinGen allele CA346765973.
Genomic context (GRCh38, chr2:47,832,871, plus strand): 5'-TACAATTTACTGTAATCTCTAAGCAGTGGTGTGCATTGTGGTGTTGTGCAGATTTGTCAT[C>G]AGGGTTAAACTGAAAAGTAAAAATTTTGTTTGAAATAAACAATTACTGCCTTTATGATTT-3'
Protein context (NP_001177203.1, residues 341-361): VGYMTIRFNP[Asp351His]DKSAQHHNAH